The following is an entry in ClinVar:

ClinVar aggregate classification (germline): Conflicting classifications of pathogenicity. Review status: criteria provided, conflicting classifications (1 of 4 stars). 5 submissions from 5 submitters: Uncertain significance (4); Likely benign (1). Last evaluated 2026-02-02.

Conditions:
Inborn genetic diseases. Identifiers: MedGen C0950123, MeSH D030342.
Bethlem myopathy 1A. Also called: MYOPATHY, BENIGN CONGENITAL, WITH CONTRACTURES; Bethlem myopathy 1; Bethlem Muscular Dystrophy. Identifiers: Orphanet 610, MedGen CN029274, MONDO:0024530, OMIM 158810.

Allele frequency attached by ClinVar (database versions not stated): ExAC 0.00002; gnomAD 0.00004 and 0.00005; gnomAD exomes 0.00005; TOPMed 0.00007; ESP Exome Variant Server 0.00008.
gnomAD v4.1: 107 of 1,614,136 alleles (0.0066%); highest among the groups gnomAD compares: East Asian, 0.011%; no homozygotes.

Submissions (5):

Labcorp Genetics (formerly Invitae), Labcorp
Classification: Likely benign for Bethlem myopathy 1A. Last evaluated: 2026-02-02. Review status: criteria provided, single submitter. Criteria: Invitae Variant Classification Sherloc (09022015). Collection method: clinical testing. Allele origin: germline.

GeneDx
Classification: Uncertain significance. Last evaluated: 2025-05-21. Review status: criteria provided, single submitter. Criteria: GeneDx Variant Classification Process June 2021. Collection method: clinical testing. Allele origin: germline. Affected: yes.
Comment: In silico analysis supports that this missense variant has a deleterious effect on protein structure/function; Has not been previously published as pathogenic or benign to our knowledge

Revvity Omics, Revvity
Classification: Uncertain significance. Last evaluated: 2024-06-24. Review status: criteria provided, single submitter. Criteria: ACMG Guidelines, 2015. Collection method: clinical testing. Allele origin: germline.

CeGaT Center for Human Genetics Tuebingen
Classification: Uncertain significance. Last evaluated: 2023-07-01. Review status: criteria provided, single submitter. Criteria: CeGaT Center For Human Genetics Tuebingen Variant Classification Criteria Version 2. Collection method: clinical testing. Allele origin: germline. Affected: yes. Observed: 1 variant allele.
Comment: COL6A3: PM2, BP4

Ambry Genetics
Classification: Uncertain significance for Inborn genetic diseases. Last evaluated: 2021-10-27. Review status: criteria provided, single submitter. Criteria: Ambry Variant Classification Scheme 2023. Collection method: clinical testing. Allele origin: germline.

NM_004369.4(COL6A3):c.5690C>T (p.Pro1897Leu)

Gene: COL6A3 (collagen type VI alpha 3 chain; minus strand). Cytogenetic location: 2q37.3.
Variant type: single nucleotide variant.
Coding change: c.5690C>T on transcript NM_004369.4 (MANE Select); coding-DNA position 5690, C replaced by T.
Protein change: p.Pro1897Leu; replaces proline 1897 with leucine.
Molecular consequence: missense variant.
Genome position (GRCh38, 1-based): chr2:237,365,846, G>A on the plus strand (C>T on the coding strand, the complement: COL6A3 is on the minus strand). VCF-style: chr2-237365846-G-A. GRCh37 (hg19) VCF-style: chr2-238274489-G-A.
Other names: c.3869C>T, p.Pro1290Leu (NM_057166.5); c.5072C>T, p.Pro1691Leu (NM_057167.4); short protein forms P1897L, P1290L, P1691L.
Identifiers: ClinVar variation 542964 (VCV000542964.44), dbSNP rs370806359, ClinGen allele CA2188604.